The following is an entry in ClinVar:

NM_000860.6(HPGD):c.*132G>A

Gene: HPGD (15-hydroxyprostaglandin dehydrogenase; minus strand). Cytogenetic location: 4q34.1.
Variant type: single nucleotide variant.
Coding change: c.*132G>A on transcript NM_000860.6 (MANE Select); 132 bases downstream of the stop codon, G replaced by A.
Molecular consequence: 3 prime UTR variant.
Genome position (GRCh38, 1-based): chr4:174,491,824, C>T on the plus strand (G>A on the coding strand, the complement: HPGD is on the minus strand). VCF-style: chr4-174491824-C-T. GRCh37 (hg19) VCF-style: chr4-175412975-C-T.
Other names: c.*232G>A (NM_001145816.3); c.*132G>A (NM_001256301.1, NM_001256306.2, NM_001256307.2); c.*260G>A (NM_001256305.2).
Identifiers: ClinVar variation 348195 (VCV000348195.6), dbSNP rs2253170, ClinGen allele CA10617425.

ClinVar aggregate classification (germline): Benign. Review status: criteria provided, multiple submitters, no conflicts (2 of 4 stars). 3 submissions from 2 submitters: Benign (3). Last evaluated 2018-01-12.

Conditions:
Hypertrophic osteoarthropathy, primary, autosomal recessive, 1 (PHOAR1). Also called: PHO, AUTOSOMAL RECESSIVE. Identifiers: Orphanet 1525, Orphanet 2796, MedGen C4551679, MONDO:0024546, OMIM 259100.
Isolated congenital digital clubbing. Also called: ACROPACHY, HEREDITARY; CLUBBING OF DIGITS. Identifiers: Orphanet 217059, MedGen C0345408, MONDO:0007343, OMIM 119900.

Allele frequency attached by ClinVar (database versions not stated): gnomAD exomes 0.00583; gnomAD 0.04629 and 0.04949; 1000 Genomes Project 0.05012; TOPMed 0.05291; 1000 Genomes Project 30x 0.05325.
gnomAD v4.1: 11,107 of 820,186 alleles (1.4%); highest among the groups gnomAD compares: African/African-American, 16%; 749 homozygotes.

Submissions (3):

Illumina Laboratory Services, Illumina
Classification: Benign for Isolated congenital digital clubbing. Last evaluated: 2018-01-12. Review status: criteria provided, single submitter. Criteria: ICSL Variant Classification Criteria 13 December 2019. Collection method: clinical testing. Allele origin: germline.
Comment: This variant was observed in the ICSL laboratory as part of a predisposition screen in an ostensibly healthy population. It had not been previously curated by ICSL or reported in the Human Gene Mutation Database (HGMD: prior to June 1st, 2018), and was therefore a candidate for classification through an automated scoring system. Utilizing variant allele frequency, disease prevalence and penetrance estimates, and inheritance mode, an automated score was calculated to assess if this variant is too frequent to cause the disease. Based on the score and internal cut-off values, a variant classified as benign is not then subjected to further curation. The score for this variant resulted in a classification of benign for this disease.

Illumina Laboratory Services, Illumina
Classification: Benign for Hypertrophic osteoarthropathy, primary, autosomal recessive, 1. Last evaluated: 2018-01-12. Review status: criteria provided, single submitter. Criteria: ICSL Variant Classification Criteria 13 December 2019. Collection method: clinical testing. Allele origin: germline.
Comment: the same text as in the submission from Illumina Laboratory Services, Illumina above.

Breakthrough Genomics
Classification: Benign. Review status: criteria provided, single submitter. Criteria: ACMG Guidelines, 2015. Collection method: not provided. Allele origin: germline. Inheritance: Autosomal recessive inheritance. Affected: yes.